The following is an entry in ClinVar:

ClinVar aggregate classification (germline): Likely pathogenic (1 of 4 stars; one submission).

Submission:

Quest Diagnostics Nichols Institute San Juan Capistrano
Classification: Likely pathogenic. Last evaluated: 2024-04-12. Review status: criteria provided, single submitter. Criteria: Quest Diagnostics criteria. Collection method: clinical testing. Allele origin: unknown.
Comment: The CYP21A2 c.773dup (p.Met258Ilefs*38) variant alters the translational reading frame of the CYP21A2 mRNA and is predicted to cause the premature termination of CYP21A2 protein synthesis. This variant has not been reported in individuals with CYP21A2-related conditions in the published literature. This variant has not been reported in large, multi-ethnic general populations (Genome Aggregation Database). Based on the available information, this variant is classified as likely pathogenic.

NM_000500.9(CYP21A2):c.773dup (p.Met258fs)

Genes: CYP21A2 (cytochrome P450 family 21 subfamily A member 2; plus strand), LOC106780800 (CYP21A2 recombination region; plus strand). Cytogenetic location: 6p21.33.
Variant type: Duplication.
Coding change: c.773dup on transcript NM_000500.9 (MANE Select); coding-DNA position 773, one base duplicated (T; older notation c.773dupT).
Protein change: p.Met258fs; shifts the reading frame from methionine 258.
Molecular consequence: frameshift variant.
Genome position (GRCh38, 1-based): chr6:32,040,039, T duplicated. VCF-style (leftmost placement, unchanged base first): chr6-32040038-A-AT. GRCh37 (hg19) VCF-style: chr6-32007815-A-AT.
Other names: c.683dup, p.Met228fs (NM_001128590.4); c.368dup, p.Met123fs (NM_001368143.2, NM_001368144.2); short protein forms M258fs, M228fs, M123fs.
Identifiers: ClinVar variation 3572109 (VCV003572109.1).
Genomic context (GRCh38, chr6:32,040,038, plus strand): 5'-TCAGCCCGCTCCTTTCACCCTCTGCAGGAGAGCCTCGTGGCAGGCCAGTGGAGGGACATG[A>AT]TGGACTACATGCTCCAAGGGGTGGCGCAGCCGAGCATGGAAGAGGGCTCTGGACAGCTCC-3'